The following continues an entry in ClinVar:

NM_058216.3(RAD51C):c.709C>T (p.Arg237Ter)

Gene: RAD51C. ClinVar aggregate classification (germline): Pathogenic. Pathogenic (18).

Submissions 14 to 23 of 23:

Women's Health and Genetics/Laboratory Corporation of America, LabCorp
Classification: Pathogenic for Hereditary breast and ovarian cancer syndrome. Last evaluated: 2020-12-11. Review status: criteria provided, single submitter. Criteria: LabCorp Variant Classification Summary - May 2015. Collection method: clinical testing. Allele origin: germline.
Comment: Variant summary: RAD51C c.709C>T (p.Arg237X) results in a premature termination codon, predicted to cause a truncation of the encoded protein or absence of the protein due to nonsense mediated decay, which are commonly known mechanisms for disease. The variant allele was found at a frequency of 1.6e-05 in 251374 control chromosomes (gnomAD). c.709C>T has been reported in the literature in individuals affected with e.g. ovarian-, breast- and prostate cancer, and some of these patients had a strong family history or early onset of disease (e.g. Blanco_2014, Pritchard_2016, Carter_2018, Fostira_2020). These data indicate that the variant is likely to be associated with disease. To our knowledge, no experimental evidence demonstrating an impact on protein function has been reported. Nine submitters have provided clinical-significance assessments for this variant in ClinVar after 2014, and all of them classified the variant as pathogenic. Based on the evidence outlined above, the variant was classified as pathogenic.

Mendelics
Classification: Pathogenic for Fanconi anemia complementation group O. Last evaluated: 2019-05-28. Review status: criteria provided, single submitter. Criteria: Mendelics Assertion Criteria 2017. Collection method: clinical testing. Allele origin: unknown.

Centre for Mendelian Genomics, University Medical Centre Ljubljana
Classification: Pathogenic for Fanconi anemia complementation group O. Last evaluated: 2019-05-13. Review status: criteria provided, single submitter. Criteria: ACMG Guidelines, 2015. Collection method: clinical testing. Allele origin: unknown. Affected: yes.
Comment: This variant was classified as: Pathogenic. The following ACMG criteria were applied in classifying this variant: PVS1,PS1.

Revvity Omics, Revvity
Classification: Pathogenic for Fanconi anemia complementation group O. Last evaluated: 2019-01-08. Review status: criteria provided, single submitter. Criteria: ACMG Guidelines, 2015. Collection method: clinical testing. Allele origin: germline.

Genesis Genomics
Classification: Pathogenic for Breast-ovarian cancer, familial, susceptibility to, 3. Review status: criteria provided, single submitter. Criteria: ACMG Guidelines, 2015. Collection method: clinical testing. Allele origin: germline. Affected: yes and no. Observed: 8 variant alleles. Clinical features observed: Breast cancer.

Medical Genetics Laboratory, Umraniye Training and Research Hospital, University of Health Sciences
Classification: Pathogenic for Breast carcinoma. Last evaluated: 2021-08-08. Review status: no assertion criteria provided. Collection method: clinical testing. Allele origin: germline. Inheritance: Autosomal dominant inheritance. Affected: yes. Observed: 1 variant allele, 1 heterozygote. Not counted in ClinVar's aggregate classification.

Laboratory for Genotyping Development, RIKEN
Classification: Pathogenic for Gastric cancer. Last evaluated: 2021-07-01. Review status: no assertion criteria provided. Collection method: research. Allele origin: germline. Not counted in ClinVar's aggregate classification.

Leiden Open Variation Database
Classification: Pathogenic. Last evaluated: 2019-12-23. Review status: no assertion criteria provided. Collection method: curation. Allele origin: germline. Affected: yes. Not counted in ClinVar's aggregate classification.
Comment: Curator: Arleen D. Auerbach. Submitter to LOVD: Florentia Fostira.

Counsyl
Classification: Pathogenic for Fanconi anemia complementation group O; Breast-ovarian cancer, familial, susceptibility to, 3. Last evaluated: 2017-04-28. Review status: no assertion criteria provided. Collection method: clinical testing. Allele origin: unknown. Not counted in ClinVar's aggregate classification.

Department of Pathology and Laboratory Medicine, Sinai Health System
Classification: Pathogenic for Breast-ovarian cancer, familial, susceptibility to, 3. Review status: no assertion criteria provided. Collection method: clinical testing. Allele origin: unknown. Affected: yes. Study: The Canadian Open Genetics Repository (COGR). Not counted in ClinVar's aggregate classification.
Comment: The RAD51C p.Arg237X variant was identified in 3 of 1872 proband chromosomes (frequency: 0.002) from individuals or families with breast, ovarian, or gastric cancer (Blanco 2014, Sahasrabudhe 2017, Tavera-Tapia 2017). The variant was also identified in the following databases: dbSNP (ID: rs770637624) as "With Pathogenic allele", ClinVar (5x pathogenic), and Clinvitae (3x pathogenic). The variant was not identified in Cosmic, MutDB, or the LOVD 3.0 databases. The variant was identified in control databases in 4 of 246148 chromosomes at a frequency of 0.00002 (Genome Aggregation Database Feb 27, 2017). Breakdown of the observations by population include European in 3 of 111606 chromosomes (freq: 0.00003) and East Asian in 1 of 17248 chromosomes (freq: 0.00006), while the variant was not observed in the African, Other, Latino, Ashkenazi Jewish, Finnish, or South Asian populations. The c.709C>T variant leads to a premature stop codon at position 237 which is predicted to lead to a truncated or absent protein and loss of function. Loss of function variants of the RAD51C gene are an established mechanism of disease and this is the type of variant expected to cause the disorder. In summary, based on the above information this variant meets our laboratoryâ€šÃ„Ã´s criteria to be classified as pathogenic.

Literature cited by the submitters: PubMed 25086635 (cited by 7 submitters); PubMed 27433846 (cited by 3 submitters); PubMed 28024868 (cited by Dasa and Quest Diagnostics Nichols Institute San Juan Capistrano); PubMed 31300551 (cited by 5 submitters); PubMed 33008098 (cited by Dasa and Color Diagnostics, LLC DBA Color Health); PubMed 20400964 (cited by Labcorp Genetics (formerly Invitae), Labcorp); PubMed 21990120 (cited by Labcorp Genetics (formerly Invitae), Labcorp); PubMed 24800917 (cited by Labcorp Genetics (formerly Invitae), Labcorp); PubMed 29278735 (cited by Labcorp Genetics (formerly Invitae), Labcorp); PubMed 30322717 (cited by 4 submitters); PubMed 33471991 (cited by Color Diagnostics, LLC DBA Color Health and Quest Diagnostics Nichols Institute San Juan Capistrano); PubMed 35264596 (cited by 3 submitters); PubMed 27913932 (cited by Ambry Genetics and Counsyl); PubMed 35155181 (cited by Quest Diagnostics Nichols Institute San Juan Capistrano); PubMed 38915363 (cited by Quest Diagnostics Nichols Institute San Juan Capistrano); PubMed 39256447 (cited by Quest Diagnostics Nichols Institute San Juan Capistrano); PubMed 36451132 (cited by Quest Diagnostics Nichols Institute San Juan Capistrano); PubMed 31784482 (cited by Center for Genomic Medicine, Rigshospitalet, Copenhagen University Hospital); PubMed 36988593 (cited by Laboratory for Genotyping Development, RIKEN).